The following is an entry in ClinVar:

NM_004656.4(BAP1):c.783+4_783+13del

Gene: BAP1 (BRCA1 associated deubiquitinase 1; minus strand). Cytogenetic location: 3p21.1.
Variant type: Deletion.
Coding change: c.783+4_783+13del on transcript NM_004656.4 (MANE Select); bases 4 to 13 of the intron after coding-DNA position 783, 10 bases deleted (GGTGCCCTTT; older notation c.783+4_783+13delGGTGCCCTTT).
Molecular consequence: intron variant.
Genome position (GRCh38, 1-based): chr3:52,406,240-52,406,249, AAAGGGCACC deleted on the plus strand (GGTGCCCTTT on the coding strand, the reverse complement: BAP1 is on the minus strand). VCF-style (leftmost placement, unchanged base first): chr3-52406239-GAAAGGGCACC-G. GRCh37 (hg19) VCF-style: chr3-52440255-GAAAGGGCACC-G.
Identifiers: ClinVar variation 234858 (VCV000234858.10), dbSNP rs876661262, ClinGen allele CA10577319.

ClinVar aggregate classification (germline): Conflicting classifications of pathogenicity. Review status: criteria provided, conflicting classifications (1 of 4 stars). 3 submissions from 3 submitters: Uncertain significance (2); Likely benign (1). Last evaluated 2025-10-05.

Conditions:
Hereditary cancer-predisposing syndrome. Also called: Hereditary neoplastic syndrome; Hereditary Cancer Syndrome; Neoplastic Syndromes, Hereditary; Tumor predisposition. Identifiers: Orphanet 140162, MedGen C0027672, MeSH D009386, MONDO:0015356.
BAP1-related tumor predisposition syndrome (TPDS1). Also called: BAP1 tumor predisposition syndrome; TUMOR PREDISPOSITION SYNDROME 1; Tumor susceptibility linked to germline BAP1 mutations; COMMON Syndrome. Identifiers: Orphanet 289539, MedGen C3280492, MONDO:0013692, OMIM 614327.

Allele frequency attached by ClinVar (database versions not stated): gnomAD exomes below 0.00001.

Submissions (3):

Labcorp Genetics (formerly Invitae), Labcorp
Classification: Likely benign for BAP1-related tumor predisposition syndrome. Last evaluated: 2025-10-05. Review status: criteria provided, single submitter. Criteria: Invitae Variant Classification Sherloc (09022015). Collection method: clinical testing. Allele origin: germline.

Ambry Genetics
Classification: Uncertain significance for Hereditary cancer-predisposing syndrome. Last evaluated: 2023-08-15. Review status: criteria provided, single submitter. Criteria: Ambry Variant Classification Scheme 2023. Collection method: clinical testing. Allele origin: germline.
Comment: The c.783+4_783+13del10 intronic variant, located in intron 9 of the BAP1 gene, results from a deletion of 10 nucleotides within intron 9 of the BAP1 gene. This nucleotide region is not well conserved in available vertebrate species. In silico splice site analysis for this alteration is inconclusive; and direct evidence is insufficient at this time (Ambry internal data). Since supporting evidence is limited at this time, the clinical significance of this alteration remains unclear.

GeneDx
Classification: Uncertain significance. Last evaluated: 2018-11-21. Review status: criteria provided, single submitter. Criteria: GeneDx Variant Classification (06012015). Collection method: clinical testing. Allele origin: germline. Affected: yes.
Comment: This variant is denoted BAP1 c.783+4_783+13del10 or IVS9+4_IVS9+13del10 and consists of a deletion of ten nucleotides from the +4 to +13 position in intron 9 of the BAP1 gene. The normal sequence with the bases that are deleted in brackets is Ggta[del10]cttc, where the capital letter is exonic and lowercase letters are intronic. In silico analysis, which includes protein predictors and evolutionary conservation, supports that this variant does not alter protein structure/function. However, it does alter a portion of the splice consensus sequence, and in the absence of RNA or functional studies, the actual effect of this variant is unknown. This variant has not, to our knowledge, been published in the literature as a pathogenic or benign germline variant. BAP1 c.783+4_783+13del10 was not observed at a significant allele frequency in large population cohorts (Lek 2016). Based on the currently available information, we consider BAP1 c.783+4_783+13del10 to be a variant of uncertain significance.